The following is an entry in ClinVar:

ClinVar aggregate classification (germline): Uncertain significance. Review status: criteria provided, single submitter (1 of 4 stars). 2 submissions from 2 submitters: Uncertain significance (1). 1 of the submissions does not count toward it. Last evaluated 2022-08-16.

Conditions:
Ehlers-Danlos syndrome, dermatosparaxis type. Also called: Ehlers-Danlos syndrome, type VII, autosomal recessive; EDS VIIC; Dermatosparaxis. Identifiers: Orphanet 1901, MedGen C2700425, MONDO:0009161, OMIM 225410.

Submissions (2):

Labcorp Genetics (formerly Invitae), Labcorp
Classification: Uncertain significance for Ehlers-Danlos syndrome, dermatosparaxis type. Last evaluated: 2022-08-16. Review status: criteria provided, single submitter. Criteria: Invitae Variant Classification Sherloc (09022015). Collection method: clinical testing. Allele origin: germline.
Comment: This variant, c.708_716dup, results in the insertion of 3 amino acid(s) of the ADAMTS2 protein (p.Asp237_Leu239dup), but otherwise preserves the integrity of the reading frame. This variant is present in population databases (rs778523767, gnomAD 0.006%). This variant has not been reported in the literature in individuals affected with ADAMTS2-related conditions. ClinVar contains an entry for this variant (Variation ID: 639549). Experimental studies and prediction algorithms are not available or were not evaluated, and the functional significance of this variant is currently unknown. In summary, the available evidence is currently insufficient to determine the role of this variant in disease. Therefore, it has been classified as a Variant of Uncertain Significance.

Natera, Inc.
Classification: Uncertain significance for Ehlers-Danlos syndrome type VIIC. Last evaluated: 2021-02-19. Review status: no assertion criteria provided. Collection method: clinical testing. Allele origin: germline. Not counted in ClinVar's aggregate classification.

NM_014244.5(ADAMTS2):c.699GGACAGCCT[3] (p.234DSL[3])

Gene: ADAMTS2 (ADAM metallopeptidase with thrombospondin type 1 motif 2; minus strand). Cytogenetic location: 5q35.3.
Variant type: Microsatellite.
Coding change: c.699GGACAGCCT[3] on transcript NM_014244.5 (MANE Select); three copies in a row of the 9-base unit GGACAGCCT starting at c.699; the reference has two copies in a row; one copy, 9 bases duplicated; also written c.708_716dup.
Protein change: p.234DSL[3].
Molecular consequence: inframe insertion.
Genome position (GRCh38, 1-based): chr5:179,207,688-179,207,696, AGGCTGTCC duplicated on the plus strand (GGACAGCCT on the coding strand, the reverse complement: ADAMTS2 is on the minus strand); duplicating any 9 consecutive bases within chr5:179,207,688-179,207,708 gives the same sequence; the position shown is the placement nearest the transcript's 3' end. VCF-style (leftmost placement, unchanged base first): chr5-179207687-G-GAGGCTGTCC. GRCh37 (hg19) VCF-style: chr5-178634688-G-GAGGCTGTCC.
Other names: c.708_716dup (NM_014244.5); c.699GGACAGCCT[3], p.234DSL[3] (NM_021599.4).
Identifiers: ClinVar variation 639549 (VCV000639549.9), dbSNP rs778523767, ClinGen allele CA3596194.